The following is an entry in ClinVar:

ClinVar aggregate classification (germline): Likely benign. Review status: criteria provided, multiple submitters, no conflicts (2 of 4 stars). 3 submissions from 3 submitters: Likely benign (3). Last evaluated 2025-06-01.

Allele frequency attached by ClinVar (database versions not stated): ExAC 0.00009; gnomAD 0.00009; TOPMed 0.00011.
gnomAD v4.1: 188 of 1,614,024 alleles (0.012%); highest among the groups gnomAD compares: Non-Finnish European, 0.015%; 1 homozygote.

Submissions (3):

CeGaT Center for Human Genetics Tuebingen
Classification: Likely benign. Last evaluated: 2025-06-01. Review status: criteria provided, single submitter. Criteria: CeGaT Center For Human Genetics Tuebingen Variant Classification Criteria Version 2. Collection method: clinical testing. Allele origin: germline. Affected: yes. Observed: 1 variant allele.
Comment: ORC1: BP4, BP7

Labcorp Genetics (formerly Invitae), Labcorp
Classification: Likely benign. Last evaluated: 2025-04-10. Review status: criteria provided, single submitter. Criteria: Invitae Variant Classification Sherloc (09022015). Collection method: clinical testing. Allele origin: germline.

Blueprint Genetics
Classification: Likely benign. Last evaluated: 2023-12-22. Review status: criteria provided, single submitter. Criteria: ACMG Guidelines, 2015. Collection method: clinical testing. Allele origin: germline.

NM_004153.4(ORC1):c.1161T>G (p.Thr387=)

Gene: ORC1 (origin recognition complex subunit 1; minus strand). Cytogenetic location: 1p32.3.
Variant type: single nucleotide variant.
Coding change: c.1161T>G on transcript NM_004153.4 (MANE Select); coding-DNA position 1161, T replaced by G.
Protein change: p.Thr387=; no amino-acid change (threonine 387 retained).
Molecular consequence: synonymous variant.
Genome position (GRCh38, 1-based): chr1:52,389,243, A>C on the plus strand (T>G on the coding strand, the complement: ORC1 is on the minus strand). VCF-style: chr1-52389243-A-C. GRCh37 (hg19) VCF-style: chr1-52854915-A-C.
Other names: c.1161T>G, p.Thr387= (NM_001190818.2, NM_001190819.2).
Identifiers: ClinVar variation 702236 (VCV000702236.19), dbSNP rs554803101, ClinGen allele CA853415.